The following is an entry in ClinVar:

NM_001127208.3(TET2):c.4552del (p.Ser1518fs)

Genes: TET2 (tet methylcytosine dioxygenase 2; plus strand), TET2-AS1 (TET2 antisense RNA 1; minus strand). Cytogenetic location: 4q24.
Variant type: Deletion.
Coding change: c.4552del on transcript NM_001127208.3 (MANE Select); coding-DNA position 4552, one base deleted (T; older notation c.4552delT).
Protein change: p.Ser1518fs; shifts the reading frame from serine 1518.
Molecular consequence: frameshift variant.
Genome position (GRCh38, 1-based): chr4:105,275,062, T deleted; the last of 3 consecutive T bases (chr4:105,275,060-105,275,062); deleting any one gives the same sequence. VCF-style (leftmost placement, unchanged base first): chr4-105275059-CT-C. GRCh37 (hg19) VCF-style: chr4-106196216-CT-C.
Other names: short protein forms S1518fs.
Identifiers: ClinVar variation 4731200 (VCV004731200.1).

ClinVar aggregate classification (germline): Uncertain significance (1 of 4 stars; one submission).

Submission:

Labcorp Genetics (formerly Invitae), Labcorp
Classification: Uncertain significance. Last evaluated: 2025-11-13. Review status: criteria provided, single submitter. Criteria: Invitae Variant Classification Sherloc (09022015). Collection method: clinical testing. Allele origin: germline.
Comment: This sequence change creates a premature translational stop signal (p.Ser1518Glnfs*53) in the TET2 gene. While this is not anticipated to result in nonsense mediated decay, it is expected to disrupt the last 485 amino acid(s) of the TET2 protein. This variant is not present in population databases (gnomAD no frequency). This variant has not been reported in the literature in individuals affected with TET2-related conditions. In summary, the available evidence is currently insufficient to determine the role of this variant in disease. Therefore, it has been classified as a Variant of Uncertain Significance.